The following is an entry in ClinVar:

NM_007254.4(PNKP):c.1395_1396del (p.Glu465fs)

Gene: PNKP (polynucleotide kinase 3'-phosphatase; minus strand). Cytogenetic location: 19q13.33.
Variant type: Microsatellite.
Coding change: c.1395_1396del on transcript NM_007254.4 (MANE Select); coding-DNA positions 1395 to 1396, 2 bases deleted (GA; older notation c.1395_1396delGA).
Protein change: p.Glu465fs; shifts the reading frame from glutamic acid 465.
Molecular consequence: frameshift variant.
Genome position (GRCh38, 1-based): chr19:49,861,501-49,861,502, TC deleted on the plus strand (GA on the coding strand, the reverse complement: PNKP is on the minus strand); deleting any 2 consecutive bases within chr19:49,861,501-49,861,506 gives the same sequence; the c. name uses the placement nearest the transcript's 3' end. VCF-style (leftmost placement, unchanged base first): chr19-49861500-ATC-A. GRCh37 (hg19) VCF-style: chr19-50364757-ATC-A.
Other names: short protein forms E465fs.
Identifiers: ClinVar variation 1455884 (VCV001455884.12), dbSNP rs1413085852, ClinGen allele CA883145302.

ClinVar aggregate classification (germline): Pathogenic/Likely pathogenic. Review status: criteria provided, multiple submitters, no conflicts (2 of 4 stars). 4 submissions from 4 submitters: Pathogenic (2); Likely pathogenic (2). Last evaluated 2025-03-20.

Conditions:
Developmental and epileptic encephalopathy, 12 (DEE12). Identifiers: MedGen C3150988, MONDO:0013389, OMIM 613722.
Charcot-Marie-Tooth disease type 2B2 (CMT2B2). Also called: CHARCOT-MARIE-TOOTH DISEASE, AXONAL, TYPE 2B2; CHARCOT-MARIE-TOOTH DISEASE, NEURONAL, TYPE 2B2; CHARCOT-MARIE-TOOTH DISEASE, AXONAL, AUTOSOMAL RECESSIVE, TYPE 2B2; Charcot-Marie-Tooth Neuropathy Type 2B2. Identifiers: Orphanet 101101, MedGen C1854150, MONDO:0011570, OMIM 605589.
Microcephaly, seizures, and developmental delay. Identifiers: Orphanet 1934, MedGen C3150667, MONDO:0013254, OMIM 613402.
Ataxia - oculomotor apraxia type 4. Identifiers: Orphanet 459033, MedGen C4225397, MONDO:0014557, OMIM 616267.

Submissions (4):

ARUP Laboratories, Molecular Genetics and Genomics, ARUP Laboratories
Classification: Likely pathogenic. Last evaluated: 2025-03-20. Review status: criteria provided, single submitter. Criteria: ARUP Molecular Germline Variant Investigation Process 2024. Collection method: clinical testing. Allele origin: germline.
Comment: The PNKP c.1395_1396del; p.Glu465AspfsTer28 variant (rs1413085852), to our knowledge, is not reported in the medical literature but is reported in ClinVar (Variation ID: 1455884). This variant is also absent from the Genome Aggregation Database (v2.1.1), indicating it is not a common polymorphism. This variant results in a premature termination codon in the penultimate exon of the PNKP gene. While this may not lead to nonsense-mediated decay, it is expected to create a truncated protein. Additionally, several downstream truncating variants have been described in individuals with Charot-Marie-Tooth disease and ataxia-oculomotor and are considered disease causing (Leal 2018, Scholz 2018). Based on available information, this variant is considered to be likely pathogenic. References: Leal A et al. The polynucleotide kinase 3'-phosphatase gene (PNKP) is involved in Charcot-Marie-Tooth disease (CMT2B2) previously related to MED25. Neurogenetics. 2018 Dec;19(4):215-225. PMID: 30039206. Scholz C et al. Rare compound heterozygous variants in PNKP identified by whole exome sequencing in a German patient with ataxia-oculomotor apraxia 4 and pilocytic8899 astrocytoma. Clin Genet. 2018 Jul;94(1):185-186. PMID: 29498415.

Labcorp Genetics (formerly Invitae), Labcorp
Classification: Pathogenic for Developmental and epileptic encephalopathy, 12. Last evaluated: 2024-10-22. Review status: criteria provided, single submitter. Criteria: Invitae Variant Classification Sherloc (09022015). Collection method: clinical testing. Allele origin: germline.
Comment: This sequence change creates a premature translational stop signal (p.Glu465Aspfs*28) in the PNKP gene. While this is not anticipated to result in nonsense mediated decay, it is expected to disrupt the last 57 amino acid(s) of the PNKP protein. This variant is not present in population databases (gnomAD no frequency). This variant has not been reported in the literature in individuals affected with PNKP-related conditions. This variant disrupts a region of the PNKP protein in which other variant(s) (p.Gln517*) have been determined to be pathogenic (PMID: 30039206). This suggests that this is a clinically significant region of the protein, and that variants that disrupt it are likely to be disease-causing. For these reasons, this variant has been classified as Pathogenic.

Genetic Services Laboratory, University of Chicago
Classification: Pathogenic. Last evaluated: 2023-12-18. Review status: criteria provided, single submitter. Criteria: ACMG Guidelines, 2015. Collection method: clinical testing. Allele origin: germline. Affected: yes.
Comment: DNA sequence analysis of the PNKP gene demonstrated a 2 base pair deletion in exon 16, c.1395_1396del. This sequence change results in an amino acid frameshift and creates a premature stop codon 28 amino acids downstream of the change, p.Glu465Aspfs*28. This sequence change is predicted to result in an abnormal transcript, which may be degraded, or may lead to the production of a truncated PNKP protein with potentially abnormal function. The c.1395_1396del sequence change has not been described in population databases such as ExAC and gnomAD. While this sequence change has not previously been described in the literature, other truncating variants in the PNKP gene have been described as pathogenic in several individuals with PNKP-related disorders (PMID: 30039206).

Juno Genomics, Hangzhou Juno Genomics, Inc
Classification: Likely pathogenic for Charcot-Marie-Tooth disease type 2B2; Ataxia - oculomotor apraxia type 4; Microcephaly, seizures, and developmental delay. Review status: criteria provided, single submitter. Criteria: ACMG Guidelines, 2015. Collection method: clinical testing. Allele origin: germline. Affected: yes.
Comment: Absent from controls (or at extremely low frequency if recessive) in Genome Aggregation Database.;Null variant in a gene where loss of function (LOF) is a known mechanism of disease.

Literature cited by the submitters: PubMed 30039206 (cited by Labcorp Genetics (formerly Invitae), Labcorp).